The following is an entry in ClinVar:

ClinVar aggregate classification (germline): Conflicting classifications of pathogenicity. Review status: criteria provided, conflicting classifications (1 of 4 stars). 3 submissions from 3 submitters: Uncertain significance (1); Likely benign (1). 1 of the submissions does not count toward it. Last evaluated 2025-06-03.

Conditions:
Periodic fever-infantile enterocolitis-autoinflammatory syndrome. Also called: Autoinflammation with infantile enterocolitis. Identifiers: Orphanet 436166, MedGen C4015067, MONDO:0014472, OMIM 616050.
Familial cold autoinflammatory syndrome 4 (FCAS4). Identifiers: Orphanet 47045, Orphanet 576349, MedGen C4015276, MONDO:0014498, OMIM 616115.
NLRC4-related disorder. Also called: NLRC4-related condition.
Atopic eczema. Identifiers: MedGen C0011615, MONDO:0004980, HP:0001047.

Allele frequency attached by ClinVar (database versions not stated): gnomAD 0.00003; TOPMed 0.00002.
gnomAD v4.1: 97 of 1,614,128 alleles (0.006%); highest among the groups gnomAD compares: Non-Finnish European, 0.008%; no homozygotes.

Submissions (3):

Labcorp Genetics (formerly Invitae), Labcorp
Classification: Likely benign for Periodic fever-infantile enterocolitis-autoinflammatory syndrome; Familial cold autoinflammatory syndrome 4. Last evaluated: 2025-06-03. Review status: criteria provided, single submitter. Criteria: Invitae Variant Classification Sherloc (09022015). Collection method: clinical testing. Allele origin: germline.

Cambridge Genomics Laboratory, East Genomic Laboratory Hub, NHS Genomic Medicine Service
Classification: Uncertain significance for Atopic eczema. Last evaluated: 2020-04-21. Review status: criteria provided, single submitter. Criteria: ACGS Best Practice Guidelines for Variant Classification in Rare Disease 2020. Collection method: clinical testing. Allele origin: germline. Affected: yes. Observed: 1 variant allele.

PreventionGenetics, part of Exact Sciences
Classification: Uncertain significance for NLRC4-related condition. Last evaluated: 2024-09-07. Review status: no assertion criteria provided. Collection method: clinical testing. Allele origin: germline. Not counted in ClinVar's aggregate classification.
Comment: The NLRC4 c.1651A>T variant is predicted to result in the amino acid substitution p.Ile551Phe. To our knowledge, this variant has not been reported in the literature. This variant is reported in 0.00088% of alleles in individuals of European (Non-Finnish) descent in gnomAD v2 (as displayed in the table above). However, in gnomAD v4 (available only on GRCh38), this variant is reported in 97 alleles out of ~1,614,128 alleles. This population data is not consistent with this variant being a primary cause of disease. Although we suspect that this variant may be benign, at this time, the clinical significance of this variant is uncertain due to the absence of conclusive functional and genetic evidence.

NM_001199138.2(NLRC4):c.1651A>T (p.Ile551Phe)

Gene: NLRC4 (NLR family CARD domain containing 4; minus strand). Cytogenetic location: 2p22.3.
Variant type: single nucleotide variant.
Coding change: c.1651A>T on transcript NM_001199138.2 (MANE Select); coding-DNA position 1651, A replaced by T.
Protein change: p.Ile551Phe; replaces isoleucine 551 with phenylalanine.
Molecular consequence: missense variant. On other transcripts: intron variant (1).
Genome position (GRCh38, 1-based): chr2:32,250,213, T>A on the plus strand (A>T on the coding strand, the complement: NLRC4 is on the minus strand). VCF-style: chr2-32250213-T-A. GRCh37 (hg19) VCF-style: chr2-32475282-T-A.
Other names: c.1651A>T, p.Ile551Phe (NM_001199139.2, NM_021209.5); c.262+2206A>T (NM_001302504.1); short protein forms I551F.
Identifiers: ClinVar variation 734446 (VCV000734446.9), dbSNP rs781002536, ClinGen allele CA1601950.
Genomic context (GRCh38, chr2:32,250,213, plus strand): 5'-GGGCTGATTTGGATGTACTCTCTTGATATAAATGGATGCCACACTCTACAAAGGAATTGA[T>A]GTTTATGGCTTTCAGAATTTCTTGCTCAGTGGTGTTTTTCACACTTTGCAAAGATTCCTG-3'
Protein context (NP_001186067.1, residues 541-561): TEQEILKAIN[Ile551Phe]NSFVECGIHL